The following is an entry in ClinVar:

ClinVar aggregate classification (germline): Uncertain significance. Review status: criteria provided, multiple submitters, no conflicts (2 of 4 stars). 2 submissions from 2 submitters: Uncertain significance (2). Last evaluated 2024-06-25.

Conditions:
Multiple endocrine neoplasia, type 1 (MEN1). Also called: MEN I; WERMER SYNDROME; Endocrine adenomatosis multiple; MEN 1; MEA I. Identifiers: Orphanet 652, MedGen C0025267, MeSH D018761, MONDO:0007540, OMIM 131100.
Hereditary cancer-predisposing syndrome. Also called: Hereditary Cancer Syndrome; Hereditary neoplastic syndrome; Tumor predisposition; Neoplastic Syndromes, Hereditary. Identifiers: Orphanet 140162, MedGen C0027672, MeSH D009386, MONDO:0015356.

Submissions (2):

Labcorp Genetics (formerly Invitae), Labcorp
Classification: Uncertain significance for Multiple endocrine neoplasia, type 1. Last evaluated: 2024-06-25. Review status: criteria provided, single submitter. Criteria: Invitae Variant Classification Sherloc (09022015). Collection method: clinical testing. Allele origin: germline.
Comment: This sequence change replaces aspartic acid, which is acidic and polar, with histidine, which is basic and polar, at codon 82 of the MEN1 protein (p.Asp82His). This variant is not present in population databases (gnomAD no frequency). This variant has not been reported in the literature in individuals affected with MEN1-related conditions. ClinVar contains an entry for this variant (Variation ID: 457317). Advanced modeling of protein sequence and biophysical properties (such as structural, functional, and spatial information, amino acid conservation, physicochemical variation, residue mobility, and thermodynamic stability) performed at Invitae indicates that this missense variant is expected to disrupt MEN1 protein function with a positive predictive value of 95%. In summary, the available evidence is currently insufficient to determine the role of this variant in disease. Therefore, it has been classified as a Variant of Uncertain Significance.

Ambry Genetics
Classification: Uncertain significance for Hereditary cancer-predisposing syndrome. Last evaluated: 2024-05-10. Review status: criteria provided, single submitter. Criteria: Ambry Variant Classification Scheme 2023. Collection method: clinical testing. Allele origin: germline.
Comment: The p.D82H variant (also known as c.244G>C), located in coding exon 1 of the MEN1 gene, results from a G to C substitution at nucleotide position 244. The aspartic acid at codon 82 is replaced by histidine, an amino acid with similar properties. This amino acid position is not well conserved in available vertebrate species. In addition, the in silico prediction for this alteration is inconclusive. Based on the available evidence, the clinical significance of this variant remains unclear.

NM_001370259.2(MEN1):c.244G>C (p.Asp82His)

Gene: MEN1 (menin 1; minus strand). Cytogenetic location: 11q13.1.
Variant type: single nucleotide variant.
Coding change: c.244G>C on transcript NM_001370259.2 (MANE Select); coding-DNA position 244, G replaced by C.
Protein change: p.Asp82His; replaces aspartic acid 82 with histidine.
Molecular consequence: missense variant.
Genome position (GRCh38, 1-based): chr11:64,809,866, C>G on the plus strand (G>C on the coding strand, the complement: MEN1 is on the minus strand). VCF-style: chr11-64809866-C-G. GRCh37 (hg19) VCF-style: chr11-64577338-C-G.
Other names: c.244G>C, p.Asp82His (NM_000244.4, NM_001370251.2, NM_001370260.2 and 9 more transcripts); short protein forms D82H.
Identifiers: ClinVar variation 457317 (VCV000457317.12), dbSNP rs1419086083, ClinGen allele CA381187571.
Genomic context (GRCh38, chr11:64,809,866, plus strand): 5'-CGACGGCGCCTCGGATCTGGGCGGTGAAGCGGGCATAGAGGGCGGCGATGATAGACAGGT[C>G]GGCCACGGGAAAGTAGGTGAGGCCGCCAGGCGGGTCGGGGGCGGGGCTGGGCTGGAAGGT-3'
Protein context (NP_001357188.2, residues 72-92): PGGLTYFPVA[Asp82His]LSIIAALYAR